The following is an entry in ClinVar:

ClinVar aggregate classification (germline): Uncertain significance. Review status: criteria provided, multiple submitters, no conflicts (2 of 4 stars). 3 submissions from 3 submitters: Uncertain significance (3). Last evaluated 2025-07-16.

Conditions:
Melanoma, cutaneous malignant, susceptibility to, 9. Also called: Cutaneous malignant melanoma 9. Identifiers: Orphanet 618, MedGen C3554574, MONDO:0014056, OMIM 615134.
Acute myeloid leukemia (AML). Also called: Acute myeloid leukemia, adult; AML adult; Acute non-lymphocytic leukemia; Acute granulocytic leukemia; Leukemia, acute myeloid, somatic; Leukemia, acute myelogenous, somatic. Identifiers: Orphanet 519, MedGen C0023467, MeSH D015470, MONDO:0018874, OMIM 601626, HP:0004808. Disease mechanism: Constitutively activated FLT3.
Dyskeratosis congenita, autosomal dominant 2. Identifiers: MedGen C3151443, MONDO:0013521, OMIM 613989.
Pulmonary fibrosis and/or bone marrow failure, Telomere-related, 1. Also called: PULMONARY FIBROSIS AND/OR BONE MARROW FAILURE SYNDROME, TELOMERE-RELATED, 1. Identifiers: Orphanet 88, MedGen C3553617, MONDO:0013878, OMIM 614742.
Idiopathic Pulmonary Fibrosis. Also called: Idiopathic fibrosing alveolitis, chronic form; idiopathic fibrosing alveolitis. Identifiers: Orphanet 2032, MedGen C1800706, MeSH D054990, MONDO:0800504.
Dyskeratosis congenita. Identifiers: Orphanet 1775, MedGen C0265965, MONDO:0015780.

Allele frequency attached by ClinVar (database versions not stated): gnomAD exomes below 0.00001; TOPMed below 0.00001.
gnomAD v4.1: 2 of 1,583,770 alleles (0.00013%); highest among the groups gnomAD compares: Non-Finnish European, 0.00017%; no homozygotes.

Submissions (3):

Ambry Genetics
Classification: Uncertain significance for Dyskeratosis congenita. Last evaluated: 2025-07-16. Review status: criteria provided, single submitter. Criteria: Ambry Variant Classification Scheme 2023. Collection method: clinical testing. Allele origin: germline.
Comment: The p.P187T variant (also known as c.559C>A), located in coding exon 2 of the TERT gene, results from a C to A substitution at nucleotide position 559. The proline at codon 187 is replaced by threonine, an amino acid with highly similar properties. This amino acid position is poorly conserved in available vertebrate species. In addition, this alteration is predicted to be tolerated by in silico analysis. Based on the available evidence, the clinical significance of this variant remains unclear.

Fulgent Genetics
Classification: Uncertain significance for Acute myeloid leukemia; Dyskeratosis congenita, autosomal dominant 2; Pulmonary fibrosis and/or bone marrow failure, Telomere-related, 1; Melanoma, cutaneous malignant, susceptibility to, 9. Last evaluated: 2024-05-08. Review status: criteria provided, single submitter. Criteria: ACMG Guidelines, 2015. Collection method: clinical testing. Allele origin: germline.

Labcorp Genetics (formerly Invitae), Labcorp
Classification: Uncertain significance for Dyskeratosis congenita, autosomal dominant 2; Idiopathic Pulmonary Fibrosis. Last evaluated: 2023-07-02. Review status: criteria provided, single submitter. Criteria: Invitae Variant Classification Sherloc (09022015). Collection method: clinical testing. Allele origin: germline.
Comment: This sequence change replaces proline, which is neutral and non-polar, with threonine, which is neutral and polar, at codon 187 of the TERT protein (p.Pro187Thr). This variant is not present in population databases (gnomAD no frequency). This variant has not been reported in the literature in individuals affected with TERT-related conditions. ClinVar contains an entry for this variant (Variation ID: 836526). Advanced modeling of protein sequence and biophysical properties (such as structural, functional, and spatial information, amino acid conservation, physicochemical variation, residue mobility, and thermodynamic stability) performed at Invitae indicates that this missense variant is not expected to disrupt TERT protein function. In summary, the available evidence is currently insufficient to determine the role of this variant in disease. Therefore, it has been classified as a Variant of Uncertain Significance.

NM_198253.3(TERT):c.559C>A (p.Pro187Thr)

Gene: TERT (telomerase reverse transcriptase; minus strand). Cytogenetic location: 5p15.33.
Variant type: single nucleotide variant.
Coding change: c.559C>A on transcript NM_198253.3 (MANE Select); coding-DNA position 559, C replaced by A.
Protein change: p.Pro187Thr; replaces proline 187 with threonine.
Molecular consequence: missense variant. On other transcripts: non-coding transcript variant (2).
Genome position (GRCh38, 1-based): chr5:1,294,327, G>T on the plus strand (C>A on the coding strand, the complement: TERT is on the minus strand). VCF-style: chr5-1294327-G-T. GRCh37 (hg19) VCF-style: chr5-1294442-G-T.
Other names: c.559C>A, p.Pro187Thr (NM_001193376.3); short protein forms P187T.
Identifiers: ClinVar variation 836526 (VCV000836526.14), dbSNP rs1751234467, ClinGen allele CA359057515.
Genomic context (GRCh38, chr5:1,294,327, plus strand): 5'-CGCTATGGTTCCAGGCCCGTTCGCATCCCAGACGCCTTCGGGGTCCACTAGCGTGTGGCG[G>T]GGGCCGGGCCTGAGTGGCAGCGCCGAGCTGGTACAGCGGCGGCCCGCACACCTGGTAGGC-3'
Protein context (NP_937983.2, residues 177-197): QLGAATQARP[Pro187Thr]PHASGPRRRL